The following is an entry in ClinVar:

NM_000077.5(CDKN2A):c.57C>T (p.Ala19=)

Gene: CDKN2A (cyclin dependent kinase inhibitor 2A; minus strand). Cytogenetic location: 9p21.3.
Variant type: single nucleotide variant.
Coding change: c.57C>T on transcript NM_000077.5; coding-DNA position 57, C replaced by T.
Protein change: p.Ala19=; no amino-acid change (alanine 19 retained).
Molecular consequence: synonymous variant (on NM_000077.6). On other transcripts: intron variant (2).
Genome position (GRCh38, 1-based): chr9:21,974,771, G>A on the plus strand (C>T on the coding strand, the complement: CDKN2A is on the minus strand). VCF-style: chr9-21974771-G-A. GRCh37 (hg19) VCF-style: chr9-21974770-G-A.
Other names: c.57C>T, p.Ala19= (NM_000077.6, NM_001195132.2, NM_058197.5); c.-3-3563C>T (NM_001363763.2); c.194-3563C>T (NM_058195.4).
Identifiers: ClinVar variation 414094 (VCV000414094.18), dbSNP rs1060504186, ClinGen allele CA16612613.

ClinVar aggregate classification (germline): Benign/Likely benign. Review status: criteria provided, multiple submitters, no conflicts (2 of 4 stars). 5 submissions from 5 submitters: Benign (1); Likely benign (4). Last evaluated 2026-02-01.

Conditions:
Hereditary cancer-predisposing syndrome. Also called: Neoplastic Syndromes, Hereditary; Tumor predisposition; Hereditary Cancer Syndrome; Hereditary neoplastic syndrome. Identifiers: Orphanet 140162, MedGen C0027672, MeSH D009386, MONDO:0015356.
Familial melanoma. Also called: Hereditary melanoma; Hereditary cutaneous melanoma. Identifiers: Orphanet 618, MedGen C1512419, MONDO:0018961.
Melanoma-pancreatic cancer syndrome. Identifiers: Orphanet 404560, MedGen C1838547, MONDO:0011713, OMIM 606719. Disease mechanism: loss of function.

Allele frequency attached by ClinVar (database versions not stated): gnomAD 0.00001; TOPMed 0.00002.
gnomAD v4.1: 9 of 1,607,400 alleles (0.00056%); highest among the groups gnomAD compares: Non-Finnish European, 0.00076%; no homozygotes.

Submissions (5):

Labcorp Genetics (formerly Invitae), Labcorp
Classification: Likely benign for Familial melanoma. Last evaluated: 2026-02-01. Review status: criteria provided, single submitter. Criteria: Invitae Variant Classification Sherloc (09022015). Collection method: clinical testing. Allele origin: germline.

Myriad Genetics, Inc.
Classification: Benign for Melanoma-pancreatic cancer syndrome. Last evaluated: 2025-08-13. Review status: criteria provided, single submitter. Criteria: Myriad Autosomal Dominant, Autosomal Recessive and X-Linked Classification Criteria (2023). Collection method: clinical testing. Allele origin: unknown.
Comment: This variant is considered benign. This variant is a silent/synonymous amino acid change and it is not expected to impact splicing.

GeneDx
Classification: Likely benign. Last evaluated: 2021-10-27. Review status: criteria provided, single submitter. Criteria: GeneDx Variant Classification Process June 2021. Collection method: clinical testing. Allele origin: germline. Affected: yes.

Color Diagnostics, LLC DBA Color Health
Classification: Likely benign for Hereditary cancer-predisposing syndrome. Last evaluated: 2019-09-17. Review status: criteria provided, single submitter. Criteria: ACMG Guidelines, 2015. Collection method: clinical testing. Allele origin: germline.

Ambry Genetics
Classification: Likely benign for Hereditary cancer-predisposing syndrome. Last evaluated: 2018-10-19. Review status: criteria provided, single submitter. Criteria: Ambry Variant Classification Scheme 2023. Collection method: clinical testing. Allele origin: germline.